The following is an entry in ClinVar:

NM_001010867.4(IBA57):c.396G>A (p.Val132=)

Gene: IBA57 (iron-sulfur cluster assembly factor IBA57; plus strand). Cytogenetic location: 1q42.13.
Variant type: single nucleotide variant.
Coding change: c.396G>A on transcript NM_001010867.4 (MANE Select); coding-DNA position 396, G replaced by A.
Protein change: p.Val132=; no amino-acid change (valine 132 retained).
Molecular consequence: synonymous variant. On other transcripts: 5 prime UTR variant (1).
Genome position (GRCh38, 1-based): chr1:228,174,746, G>A. VCF-style: chr1-228174746-G-A. GRCh37 (hg19) VCF-style: chr1-228362447-G-A.
Other names: c.-184G>A (NM_001310327.2).
Identifiers: ClinVar variation 3036625 (VCV003036625.2), dbSNP rs1343479298, ClinGen allele CA423547762.
Genomic context (GRCh38, chr1:228,174,746, plus strand): 5'-CTGCAGGCTCCAGGAACACTCGGAGGTGTCTGGCTTCCTTCTGGAGTGTGACAGCTCGGT[G>A]CAGGGCGCGCTGCAGAAGCACCTCGCGCTATACAGGATCCGGCGGAAGGTCACGGTGGAG-3'
Protein context (NP_001010867.1, residues 122-142): SGFLLECDSS[Val132=]QGALQKHLAL

ClinVar aggregate classification (germline): Likely benign (0 of 4 stars; one submission).

Conditions:
IBA57-related disorder. Also called: IBA57-related condition.

Allele frequency attached by ClinVar (database versions not stated): gnomAD exomes below 0.00001; TOPMed 0.00002; gnomAD 0.00003.
gnomAD v4.1: 9 of 1,605,418 alleles (0.00056%); highest among the groups gnomAD compares: African/African-American, 0.012%; no homozygotes.

Submission:

PreventionGenetics, part of Exact Sciences
Classification: Likely benign for IBA57-related condition. Last evaluated: 2020-06-18. Review status: no assertion criteria provided. Collection method: clinical testing. Allele origin: germline.
Comment: This variant is classified as likely benign based on ACMG/AMP sequence variant interpretation guidelines (Richards et al. 2015 PMID: 25741868, with internal and published modifications).